The following is an entry in ClinVar:

NM_001081.4(CUBN):c.6124G>A (p.Gly2042Arg)

Gene: CUBN (cubilin; minus strand). Cytogenetic location: 10p13.
Variant type: single nucleotide variant.
Coding change: c.6124G>A on transcript NM_001081.4 (MANE Select); coding-DNA position 6124, G replaced by A.
Protein change: p.Gly2042Arg; replaces glycine 2042 with arginine.
Molecular consequence: missense variant.
Genome position (GRCh38, 1-based): chr10:16,933,087, C>T on the plus strand (G>A on the coding strand, the complement: CUBN is on the minus strand). VCF-style: chr10-16933087-C-T. GRCh37 (hg19) VCF-style: chr10-16975086-C-T.
Other names: short protein forms G2042R.
Identifiers: ClinVar variation 4821681 (VCV004821681.4).

ClinVar aggregate classification (germline): Uncertain significance (1 of 4 stars; one submission).

gnomAD v4.1: 57 of 1,613,518 alleles (0.0035%); highest among the groups gnomAD compares: Non-Finnish European, 0.0043%; no homozygotes.

Submission:

CeGaT Center for Human Genetics Tuebingen
Classification: Uncertain significance. Last evaluated: 2026-05-01. Review status: criteria provided, single submitter. Criteria: CeGaT Center For Human Genetics Tuebingen Variant Classification Criteria Version 2. Collection method: clinical testing. Allele origin: germline. Affected: yes. Observed: 1 variant allele.
Comment: CUBN: PM2, PP3